The following is an entry in ClinVar:

ClinVar aggregate classification (germline): Likely benign. Review status: criteria provided, multiple submitters, no conflicts (2 of 4 stars). 2 submissions from 2 submitters: Likely benign (2). Last evaluated 2025-02-18.

Conditions:
NAA15-related disorder.

Allele frequency attached by ClinVar (database versions not stated): gnomAD 0.00001; TOPMed 0.00001; ExAC 0.00005; ESP Exome Variant Server 0.00008.
gnomAD v4.1: 28 of 1,589,510 alleles (0.0018%); highest among the groups gnomAD compares: Admixed American, 0.02%; no homozygotes.

Submissions (2):

PreventionGenetics, part of Exact Sciences
Classification: Likely benign for NAA15-related condition. Last evaluated: 2025-02-18. Review status: criteria provided, single submitter. Criteria: ACMG Guidelines, 2015. Collection method: clinical testing. Allele origin: germline.
Comment: This variant is classified as likely benign based on ACMG/AMP sequence variant interpretation guidelines (Richards et al. 2015 PMID: 25741868, with internal and published modifications).

Labcorp Genetics (formerly Invitae), Labcorp
Classification: Likely benign. Last evaluated: 2025-01-11. Review status: criteria provided, single submitter. Criteria: Invitae Variant Classification Sherloc (09022015). Collection method: clinical testing. Allele origin: germline.

NM_057175.5(NAA15):c.1425G>A (p.Ala475=)

Gene: NAA15 (N-alpha-acetyltransferase 15, NatA auxiliary subunit; plus strand). Cytogenetic location: 4q31.1.
Variant type: single nucleotide variant.
Coding change: c.1425G>A on transcript NM_057175.5 (MANE Select); coding-DNA position 1425, G replaced by A.
Protein change: p.Ala475=; no amino-acid change (alanine 475 retained).
Molecular consequence: synonymous variant.
Genome position (GRCh38, 1-based): chr4:139,360,514, G>A. VCF-style: chr4-139360514-G-A. GRCh37 (hg19) VCF-style: chr4-140281668-G-A.
Other names: c.1425G>A, p.Ala475= (NM_001410842.1, NM_025085.2); c.1425G>A (NM_057175.3).
Identifiers: ClinVar variation 2174820 (VCV002174820.5), dbSNP rs369259218, ClinGen allele CA3083643.